The following is an entry in ClinVar:

NM_006565.4(CTCF):c.638G>A (p.Arg213His)

Gene: CTCF (CCCTC-binding factor; plus strand). Cytogenetic location: 16q22.1.
Variant type: single nucleotide variant.
Coding change: c.638G>A on transcript NM_006565.4 (MANE Select); coding-DNA position 638, G replaced by A.
Protein change: p.Arg213His; replaces arginine 213 with histidine.
Molecular consequence: missense variant. On other transcripts: intron variant (1).
Genome position (GRCh38, 1-based): chr16:67,611,470, G>A. VCF-style: chr16-67611470-G-A. GRCh37 (hg19) VCF-style: chr16-67645373-G-A.
Other names: c.638G>A, p.Arg213His (NM_001363916.2); c.-32-5275G>A (NM_001191022.2); short protein forms R213H.
Identifiers: ClinVar variation 1031653 (VCV001031653.2), dbSNP rs1390969954, ClinGen allele CA396306993.

ClinVar aggregate classification (germline): Uncertain significance. Review status: criteria provided, multiple submitters, no conflicts (2 of 4 stars). 2 submissions from 2 submitters: Uncertain significance (2). Last evaluated 2024-12-17.

Conditions:
CTCF-related neurodevelopmental disorder. Also called: Intellectual disability-feeding difficulties-developmental delay-microcephaly syndrome; INTELLECTUAL DEVELOPMENTAL DISORDER, AUTOSOMAL DOMINANT 21. Identifiers: Orphanet 363611, MedGen C3809686, MONDO:0014213, OMIM 615502.

Allele frequency attached by ClinVar (database versions not stated): gnomAD exomes below 0.00001; gnomAD 0.00001.

Submissions (2):

Genomic Medicine Center of Excellence, King Faisal Specialist Hospital and Research Centre
Classification: Uncertain significance for CTCF-related neurodevelopmental disorder. Last evaluated: 2024-12-17. Review status: criteria provided, single submitter. Criteria: ACMG Guidelines, 2015. Collection method: clinical testing. Allele origin: germline.

Baylor Genetics
Classification: Uncertain significance for CTCF-related neurodevelopmental disorder. Last evaluated: 2018-01-01. Review status: criteria provided, single submitter. Criteria: ACMG Guidelines, 2015. Collection method: clinical testing. Allele origin: maternal. Affected: yes.
Comment: This variant was determined to be of uncertain significance according to ACMG Guidelines, 2015 [PMID:25741868].